The following is an entry in ClinVar:

ClinVar aggregate classification (germline): Uncertain significance (1 of 4 stars; one submission).

Conditions:
Hereditary spastic paraplegia 11. Also called: SPASTIC PARAPLEGIA, AUTOSOMAL RECESSIVE, COMPLICATED, WITH THIN CORPUS CALLOSUM; SPASTIC PARAPLEGIA, AUTOSOMAL RECESSIVE, WITH MENTAL IMPAIRMENT AND THIN CORPUS CALLOSUM; Nakamura Osame syndrome; Autosomal recessive hereditary spastic paraplegia, mental impairment, and thin corpus callosum; Spastic paraplegia, mental retardation and thin corpus callosum; Spastic Paraplegia 11. Identifiers: Orphanet 2822, MedGen C1858479, MONDO:0011445, OMIM 604360.

Allele frequency attached by ClinVar (database versions not stated): gnomAD 0.00001; gnomAD exomes 0.00002.
gnomAD v4.1: 10 of 1,613,944 alleles (0.00062%); highest among the groups gnomAD compares: Middle Eastern, 0.017%; no homozygotes.

Submission:

Labcorp Genetics (formerly Invitae), Labcorp
Classification: Uncertain significance for Hereditary spastic paraplegia 11. Last evaluated: 2022-01-19. Review status: criteria provided, single submitter. Criteria: Invitae Variant Classification Sherloc (09022015). Collection method: clinical testing. Allele origin: germline.
Comment: This sequence change replaces valine, which is neutral and non-polar, with leucine, which is neutral and non-polar, at codon 1297 of the SPG11 protein (p.Val1297Leu). This variant is present in population databases (no rsID available, gnomAD 0.003%). This variant has not been reported in the literature in individuals affected with SPG11-related conditions. Algorithms developed to predict the effect of missense changes on protein structure and function output the following: SIFT: "Tolerated"; PolyPhen-2: "Benign"; Align-GVGD: "Class C0". The leucine amino acid residue is found in multiple mammalian species, which suggests that this missense change does not adversely affect protein function. In summary, the available evidence is currently insufficient to determine the role of this variant in disease. Therefore, it has been classified as a Variant of Uncertain Significance.

NM_025137.4(SPG11):c.3889G>T (p.Val1297Leu)

Gene: SPG11 (SPG11 vesicle trafficking associated, spatacsin; minus strand). Cytogenetic location: 15q21.1.
Variant type: single nucleotide variant.
Coding change: c.3889G>T on transcript NM_025137.4 (MANE Select); coding-DNA position 3889, G replaced by T.
Protein change: p.Val1297Leu; replaces valine 1297 with leucine.
Molecular consequence: missense variant.
Genome position (GRCh38, 1-based): chr15:44,598,634, C>A on the plus strand (G>T on the coding strand, the complement: SPG11 is on the minus strand). VCF-style: chr15-44598634-C-A. GRCh37 (hg19) VCF-style: chr15-44890832-C-A.
Other names: c.3889G>T, p.Val1297Leu (NM_001160227.2, NM_001411132.1); short protein forms V1297L.
Identifiers: ClinVar variation 2194519 (VCV002194519.1), dbSNP rs887285275, ClinGen allele CA270092733.